The following is an entry in ClinVar:

NM_001006658.3(CR2):c.1175G>A (p.Arg392Gln)

Genes: CR2 (complement C3d receptor 2; plus strand), LOC126805994 (BRD4-independent group 4 enhancer GRCh37_chr1:207642622-207643821; plus strand). Cytogenetic location: 1q32.2.
Variant type: single nucleotide variant.
Coding change: c.1175G>A on transcript NM_001006658.3 (MANE Select); coding-DNA position 1175, G replaced by A.
Protein change: p.Arg392Gln; replaces arginine 392 with glutamine.
Molecular consequence: missense variant.
Genome position (GRCh38, 1-based): chr1:207,470,052, G>A. VCF-style: chr1-207470052-G-A. GRCh37 (hg19) VCF-style: chr1-207643397-G-A.
Other names: c.1175G>A, p.Arg392Gln (NM_001877.5); short protein forms R392Q.
Identifiers: ClinVar variation 943925 (VCV000943925.9), dbSNP rs141226912, ClinGen allele CA1368643.

ClinVar aggregate classification (germline): Uncertain significance (1 of 4 stars; one submission).

Conditions:
Immunodeficiency, common variable, 7. Identifiers: Orphanet 1572, Orphanet 696894, MedGen C3542922, MONDO:0013862, OMIM 614699.

Allele frequency attached by ClinVar (database versions not stated): TOPMed 0.00001; gnomAD exomes 0.00002; gnomAD 0.00001; ESP Exome Variant Server 0.00008.
gnomAD v4.1: 25 of 1,613,836 alleles (0.0015%); highest among the groups gnomAD compares: South Asian, 0.0033%; no homozygotes.

Submission:

Labcorp Genetics (formerly Invitae), Labcorp
Classification: Uncertain significance for Immunodeficiency, common variable, 7. Last evaluated: 2023-07-17. Review status: criteria provided, single submitter. Criteria: Invitae Variant Classification Sherloc (09022015). Collection method: clinical testing. Allele origin: germline.
Comment: In summary, the available evidence is currently insufficient to determine the role of this variant in disease. Therefore, it has been classified as a Variant of Uncertain Significance. An algorithm developed to predict the effect of missense changes on protein structure and function (PolyPhen-2) suggests that this variant is likely to be disruptive. ClinVar contains an entry for this variant (Variation ID: 943925). This variant has not been reported in the literature in individuals affected with CR2-related conditions. This variant is present in population databases (rs141226912, gnomAD 0.006%). This sequence change replaces arginine, which is basic and polar, with glutamine, which is neutral and polar, at codon 392 of the CR2 protein (p.Arg392Gln).